The following is an entry in ClinVar:

ClinVar aggregate classification (germline): Likely benign (1 of 4 stars; one submission).

Conditions:
APC-related disorder. Also called: APC-related condition.

gnomAD v4.1: 5 of 985,564 alleles (0.00051%); highest among the groups gnomAD compares: Non-Finnish European, 0.0006%; no homozygotes.

Submission:

PreventionGenetics, part of Exact Sciences
Classification: Likely benign for APC-related condition. Last evaluated: 2024-12-17. Review status: criteria provided, single submitter. Criteria: ACMG Guidelines, 2015. Collection method: clinical testing. Allele origin: germline.
Comment: This variant is classified as likely benign based on ACMG/AMP sequence variant interpretation guidelines (Richards et al. 2015 PMID: 25741868, with internal and published modifications).

NM_001127511.3(APC):c.166-28461G>T

Gene: APC (APC regulator of Wnt signaling pathway; plus strand). Cytogenetic location: 5q22.2.
Variant type: single nucleotide variant.
Coding change: c.166-28461G>T on transcript NM_001127511.3; 28461 bases into the intron before coding-DNA position 166, G replaced by T.
Molecular consequence: intron variant.
Genome position (GRCh38, 1-based): chr5:112,737,865, G>T. VCF-style: chr5-112737865-G-T. GRCh37 (hg19) VCF-style: chr5-112073562-G-T.
Other names: c.-79G>T (NM_000038.4); c.-187G>T (NM_001127510.1); c.-1053-17008G>T (NM_001407470.1, NM_001407472.1); c.-18-17008G>T (NM_001407447.1, NM_001354895.2, NM_001407456.1 and 7 more transcripts); c.166-28461G>T (NM_001407446.1, NM_001354897.2, NM_001354902.2); c.-42-28461G>T (NM_001407453.1).
Identifiers: ClinVar variation 4986849 (VCV004986849.1).